The following is an entry in ClinVar:

ClinVar aggregate classification (germline): Uncertain significance. Review status: criteria provided, multiple submitters, no conflicts (2 of 4 stars). 3 submissions from 3 submitters: Uncertain significance (3). Last evaluated 2025-06-23.

Conditions:
Malignant hyperthermia, susceptibility to, 5 (MHS5). Also called: CACNA1S-Related Malignant Hyperthermia Susceptibility. Identifiers: Orphanet 423, MedGen C1866077, MONDO:0011163, OMIM 601887.

Allele frequency attached by ClinVar (database versions not stated): TOPMed below 0.00001; gnomAD 0.00001.
gnomAD v4.1: 31 of 1,614,086 alleles (0.0019%); highest among the groups gnomAD compares: Non-Finnish European, 0.0026%; no homozygotes.

Submissions (3):

Color Diagnostics, LLC DBA Color Health
Classification: Uncertain significance for Malignant hyperthermia, susceptibility to, 5. Last evaluated: 2025-06-23. Review status: criteria provided, single submitter. Criteria: ACMG Guidelines, 2015. Collection method: clinical testing. Allele origin: germline.
Comment: This missense variant replaces leucine with proline at codon 447 of the CACNA1S protein. Computational prediction suggests that this variant may have deleterious impact on protein structure and function. To our knowledge, functional studies have not been reported for this variant. This variant has not been reported in individuals affected with CACNA1S-related disorders in the literature. This variant has not been identified in the general population by the Genome Aggregation Database (gnomAD). The available evidence is insufficient to determine the role of this variant in disease conclusively. Therefore, this variant is classified as a Variant of Uncertain Significance.

GeneDx
Classification: Uncertain significance. Last evaluated: 2025-04-17. Review status: criteria provided, single submitter. Criteria: GeneDx Variant Classification Process June 2021. Collection method: clinical testing. Allele origin: germline. Affected: yes.
Comment: Not observed at significant frequency in large population cohorts (gnomAD); In silico analysis supports that this missense variant has a deleterious effect on protein structure/function; Has not been previously published as pathogenic or benign to our knowledge

Mayo Clinic Laboratories, Mayo Clinic
Classification: Uncertain significance. Last evaluated: 2021-01-07. Review status: criteria provided, single submitter. Criteria: ACMG Guidelines, 2015. Collection method: clinical testing. Allele origin: germline. Observed: 1 variant allele.

NM_000069.3(CACNA1S):c.1340T>C (p.Leu447Pro)

Gene: CACNA1S (calcium voltage-gated channel subunit alpha1 S; minus strand). Cytogenetic location: 1q32.1.
Variant type: single nucleotide variant.
Coding change: c.1340T>C on transcript NM_000069.3 (MANE Select); coding-DNA position 1340, T replaced by C.
Protein change: p.Leu447Pro; replaces leucine 447 with proline.
Molecular consequence: missense variant.
Genome position (GRCh38, 1-based): chr1:201,083,215, A>G on the plus strand (T>C on the coding strand, the complement: CACNA1S is on the minus strand). VCF-style: chr1-201083215-A-G. GRCh37 (hg19) VCF-style: chr1-201052343-A-G.
Other names: short protein forms L447P.
Identifiers: ClinVar variation 1163184 (VCV001163184.7), dbSNP rs1482731235, ClinGen allele CA344125436.
Genomic context (GRCh38, chr1:201,083,215, plus strand): 5'-GCCTCACCTTGCAAACGGGTCAGCCAGAGAGGCTGGTTGTGGTGCTCTGAGGCGATAGAC[A>G]GGGTGTTGAGGGCAACGATGAGAATCACCAGCCAATAGAAGACCTTGGACTTCACGATGT-3'
Protein context (NP_000060.2, residues 437-457): LVILIVALNT[Leu447Pro]SIASEHHNQP